The following is an entry in ClinVar:

ClinVar aggregate classification (germline): Benign (1 of 4 stars; one submission).

Allele frequency attached by ClinVar (database versions not stated): TOPMed 0.00015; 1000 Genomes Project 30x 0.00016.
gnomAD v4.1: 238 of 1,605,026 alleles (0.015%); highest among the groups gnomAD compares: East Asian, 0.11%; 1 homozygote.

Submission:

GeneDx
Classification: Benign. Last evaluated: 2014-05-27. Review status: criteria provided, single submitter. Criteria: GeneDx Variant Classification (06012015). Collection method: clinical testing. Allele origin: germline. Affected: yes.
Comment: This variant is considered likely benign or benign based on one or more of the following criteria: it is a conservative change, it occurs at a poorly conserved position in the protein, it is predicted to be benign by multiple in silico algorithms, and/or has population frequency not consistent with disease.

NM_006351.4(TIMM44):c.46-8C>G

Gene: TIMM44 (translocase of inner mitochondrial membrane 44; minus strand). Cytogenetic location: 19p13.2.
Variant type: single nucleotide variant.
Coding change: c.46-8C>G on transcript NM_006351.4 (MANE Select); 8 bases into the intron before coding-DNA position 46, C replaced by G.
Molecular consequence: intron variant.
Genome position (GRCh38, 1-based): chr19:7,941,205, G>C on the plus strand (C>G on the coding strand, the complement: TIMM44 is on the minus strand). VCF-style: chr19-7941205-G-C. GRCh37 (hg19) VCF-style: chr19-8006090-G-C.
Identifiers: ClinVar variation 137651 (VCV000137651.1), dbSNP rs192670629, ClinGen allele CA291300.